The following is an entry in ClinVar:

ClinVar aggregate classification (germline): Uncertain significance (1 of 4 stars; one submission).

Conditions:
Developmental and epileptic encephalopathy, 9 (DEE9). Also called: Early infantile epileptic encephalopathy 9; JUBERG-HELLMAN SYNDROME; PCDH19-Related X-Linked Female-Limited Epilepsy with Mental Retardation; EPILEPSY, FEMALE-RESTRICTED, WITH MENTAL RETARDATION. Identifiers: Orphanet 101039, Orphanet 2076, MedGen C1848137, MONDO:0010246, OMIM 300088. Disease mechanism: loss of function.

Allele frequency attached by ClinVar (database versions not stated): gnomAD 0.00002.

Submission:

Labcorp Genetics (formerly Invitae), Labcorp
Classification: Uncertain significance for Developmental and epileptic encephalopathy, 9. Last evaluated: 2022-05-03. Review status: criteria provided, single submitter. Criteria: Invitae Variant Classification Sherloc (09022015). Collection method: clinical testing. Allele origin: germline.
Comment: In summary, the available evidence is currently insufficient to determine the role of this variant in disease. Therefore, it has been classified as a Variant of Uncertain Significance. Advanced modeling of protein sequence and biophysical properties (such as structural, functional, and spatial information, amino acid conservation, physicochemical variation, residue mobility, and thermodynamic stability) performed at Invitae indicates that this missense variant is not expected to disrupt PCDH19 protein function. This variant has not been reported in the literature in individuals affected with PCDH19-related conditions. This variant is present in population databases (no rsID available, gnomAD 0.02%). This sequence change replaces threonine, which is neutral and polar, with lysine, which is basic and polar, at codon 753 of the PCDH19 protein (p.Thr753Lys).

NM_001184880.2(PCDH19):c.2258C>A (p.Thr753Lys)

Genes: PCDH19 (protocadherin 19; minus strand), LOC125467768 (CDK7 strongly-dependent group 2 enhancer GRCh37_chrX:99657381-99658580; plus strand). Cytogenetic location: Xq22.1.
Variant type: single nucleotide variant.
Coding change: c.2258C>A on transcript NM_001184880.2 (MANE Select); coding-DNA position 2258, C replaced by A.
Protein change: p.Thr753Lys; replaces threonine 753 with lysine.
Molecular consequence: missense variant. On other transcripts: intron variant (2).
Genome position (GRCh38, 1-based): chrX:100,403,554, G>T on the plus strand (C>A on the coding strand, the complement: PCDH19 is on the minus strand). VCF-style: chrX-100403554-G-T. GRCh37 (hg19) VCF-style: chrX-99658552-G-T.
Other names: c.2148-703C>A (NM_020766.3, NM_001105243.2); short protein forms T753K.
Identifiers: ClinVar variation 2132587 (VCV002132587.4), dbSNP rs1444690309, ClinGen allele CA414006740.